The following is an entry in ClinVar:

ClinVar aggregate classification (germline): Pathogenic/Likely pathogenic. Review status: criteria provided, multiple submitters, no conflicts (2 of 4 stars). 2 submissions from 2 submitters: Pathogenic (1); Likely pathogenic (1). Last evaluated 2024-07-29.

Conditions:
Hereditary cancer-predisposing syndrome. Also called: Hereditary neoplastic syndrome; Neoplastic Syndromes, Hereditary; Tumor predisposition; Hereditary Cancer Syndrome. Identifiers: Orphanet 140162, MedGen C0027672, MeSH D009386, MONDO:0015356.
Familial adenomatous polyposis 1 (FAP1). Also called: POLYPOSIS, ADENOMATOUS INTESTINAL; FAMILIAL ADENOMATOUS POLYPOSIS 1, ATTENUATED. Identifiers: MedGen C2713442, MONDO:0021056, OMIM 175100. Disease mechanism: loss of function.

Submissions (2):

Ambry Genetics
Classification: Likely pathogenic for Hereditary cancer-predisposing syndrome. Last evaluated: 2024-07-29. Review status: criteria provided, single submitter. Criteria: Ambry Variant Classification Scheme 2023. Collection method: clinical testing. Allele origin: germline.
Comment: The c.3544_3548delAAATA variant, located in coding exon 15 of the APC gene, results from a deletion of 5 nucleotides at nucleotide positions 3544 to 3548, causing a translational frameshift with a predicted alternate stop codon (p.K1182Cfs*24). This alteration occurs at the 3' terminus of theAPC gene, is not expected to trigger nonsense-mediated mRNA decay, and only impacts the last 58% of the protein. However, premature stop codons are typically deleterious in nature and a significant portion of the protein is affected (Ambry internal data). This variant is considered to be rare based on population cohorts in the Genome Aggregation Database (gnomAD). Based on the majority of available evidence to date, this variant is likely to be pathogenic.

Labcorp Genetics (formerly Invitae), Labcorp
Classification: Pathogenic for Familial adenomatous polyposis 1. Last evaluated: 2019-12-11. Review status: criteria provided, single submitter. Criteria: Invitae Variant Classification Sherloc (09022015). Collection method: clinical testing. Allele origin: germline.
Comment: This variant is expected to disrupt the EB1 and HDLG binding sites, which mediate interactions with the cytoskeleton (PMID: 15311282, 17293347). While functional studies have not been performed to directly test the effect on APC protein function, this suggests that disruption of the C-terminal portion of the protein is functionally important. For these reasons, this variant has been classified as Pathogenic. A different truncation (p.Tyr2645Lysfs*14) that lies downstream of this variant has been determined to be pathogenic (PMID: 9824584, 1316610, 27081525, 8381579, 22135120, Invitae). This suggests that deletion of this region of the APC protein is causative of disease. This variant has been observed in individuals with clinical features of familial adenomatous polyposis (PMID: 12007223, Invitae). This variant is not present in population databases (ExAC no frequency). This sequence change results in a premature translational stop signal in the APC gene (p.Lys1182Cysfs*24). While this is not anticipated to result in nonsense mediated decay, it is expected to disrupt the last 1,662 amino acids of the APC protein.

Literature cited by the submitters: PubMed 15311282 (cited by Labcorp Genetics (formerly Invitae), Labcorp); PubMed 17293347 (cited by Labcorp Genetics (formerly Invitae), Labcorp); PubMed 9824584 (cited by Labcorp Genetics (formerly Invitae), Labcorp); PubMed 1316610 (cited by Labcorp Genetics (formerly Invitae), Labcorp); PubMed 27081525 (cited by Labcorp Genetics (formerly Invitae), Labcorp); PubMed 8381579 (cited by Labcorp Genetics (formerly Invitae), Labcorp); PubMed 22135120 (cited by Labcorp Genetics (formerly Invitae), Labcorp); PubMed 12007223 (cited by Labcorp Genetics (formerly Invitae), Labcorp).

NM_000038.6(APC):c.3544_3548del (p.Lys1182fs)

Gene: APC (APC regulator of Wnt signaling pathway; plus strand). Cytogenetic location: 5q22.2.
Variant type: Deletion.
Coding change: c.3544_3548del on transcript NM_000038.6 (MANE Select); coding-DNA positions 3544 to 3548, 5 bases deleted (AAATA; older notation c.3544_3548delAAATA).
Protein change: p.Lys1182fs; shifts the reading frame from lysine 1182.
Molecular consequence: frameshift variant.
Genome position (GRCh38, 1-based): chr5:112,839,138-112,839,142, AAATA deleted; deleting any 5 consecutive bases within chr5:112,839,136-112,839,142 gives the same sequence; the c. name uses the placement nearest the transcript's 3' end. VCF-style (leftmost placement, unchanged base first): chr5-112839135-TTAAAA-T. GRCh37 (hg19) VCF-style: chr5-112174832-TTAAAA-T.
Other names: c.3544_3548del, p.Lys1182fs (NM_001127510.3, NM_001354895.2); c.3490_3494del, p.Lys1164fs (NM_001127511.3); c.3598_3602del, p.Lys1200fs (NM_001354896.2); c.3574_3578del, p.Lys1192fs (NM_001354897.2); c.3469_3473del, p.Lys1157fs (NM_001354898.2); c.3460_3464del, p.Lys1154fs (NM_001354899.2); c.3421_3425del, p.Lys1141fs (NM_001354900.2); c.3367_3371del, p.Lys1123fs (NM_001354901.2); and 6 more; short protein forms K1022fs, K1056fs, K1182fs, K1200fs, K1091fs, K1154fs, K899fs, K1081fs.
Identifiers: ClinVar variation 835541 (VCV000835541.12), dbSNP rs1765452304, ClinGen allele CA916080351.